The following is an entry in ClinVar:

ClinVar aggregate classification (germline): Pathogenic (1 of 4 stars; one submission).

Submission:

Labcorp Genetics (formerly Invitae), Labcorp
Classification: Pathogenic. Last evaluated: 2023-04-28. Review status: criteria provided, single submitter. Criteria: Invitae Variant Classification Sherloc (09022015). Collection method: clinical testing. Allele origin: germline.
Comment: For these reasons, this variant has been classified as Pathogenic. This variant has not been reported in the literature in individuals affected with FREM2-related conditions. This variant is not present in population databases (gnomAD no frequency). This sequence change creates a premature translational stop signal (p.Gln516Leufs*4) in the FREM2 gene. It is expected to result in an absent or disrupted protein product. Loss-of-function variants in FREM2 are known to be pathogenic (PMID: 18203166, 26552811).

Literature cited by the submitters: PubMed 18203166; PubMed 26552811.

NM_207361.6(FREM2):c.1545_1552del (p.Gln516fs)

Gene: FREM2 (FRAS1 related extracellular matrix 2; plus strand). Cytogenetic location: 13q13.3.
Variant type: Deletion.
Coding change: c.1545_1552del on transcript NM_207361.6 (MANE Select); coding-DNA positions 1545 to 1552, 8 bases deleted (CCAGGTGG; older notation c.1545_1552delCCAGGTGG).
Protein change: p.Gln516fs; shifts the reading frame from glutamine 516.
Molecular consequence: frameshift variant.
Genome position (GRCh38, 1-based): chr13:38,688,889-38,688,896, CCAGGTGG deleted; deleting any 8 consecutive bases within chr13:38,688,887-38,688,896 gives the same sequence; the c. name uses the placement nearest the transcript's 3' end. VCF-style (leftmost placement, unchanged base first): chr13-38688886-CGGCCAGGT-C. GRCh37 (hg19) VCF-style: chr13-39263023-CGGCCAGGT-C.
Other names: short protein forms Q516fs.
Identifiers: ClinVar variation 2860153 (VCV002860153.3), dbSNP rs2541352938, ClinGen allele CA2739277548.